The following is an entry in ClinVar:

NM_000525.4(KCNJ11):c.1000G>C (p.Gly334Arg)

Gene: KCNJ11 (potassium inwardly rectifying channel subfamily J member 11; minus strand). Cytogenetic location: 11p15.1.
Variant type: single nucleotide variant.
Coding change: c.1000G>C on transcript NM_000525.4 (MANE Select); coding-DNA position 1000, G replaced by C.
Protein change: p.Gly334Arg; replaces glycine 334 with arginine.
Molecular consequence: missense variant.
Genome position (GRCh38, 1-based): chr11:17,387,092, C>G on the plus strand (G>C on the coding strand, the complement: KCNJ11 is on the minus strand). VCF-style: chr11-17387092-C-G. GRCh37 (hg19) VCF-style: chr11-17408639-C-G.
Other names: c.739G>C, p.Gly247Arg (NM_001166290.2, NM_001377296.1, NM_001377297.1); short protein forms G247R, G334R.
Identifiers: ClinVar variation 4812811 (VCV004812811.1).
Genomic context (GRCh38, chr11:17,387,092, plus strand): 5'-TGTGGTCCTCATCAAGCTGGCGGGCCGTGCAGAGTGGTGTGGGCACTTTGACGGTGTTGC[C>G]AAACTTGGAGTAGTCCACAGAGTAACGTCCGTCCTCCTCAGCTACAATGGGCACAAAGCG-3'
Protein context (NP_000516.3, residues 324-344): GRYSVDYSKF[Gly334Arg]NTVKVPTPLC

ClinVar aggregate classification (germline): Likely pathogenic (1 of 4 stars; one submission).

Conditions:
Diabetes mellitus, transient neonatal, 3 (TNDM3). Identifiers: Orphanet 99886, MedGen C1864623, MONDO:0012522, OMIM 610582. Disease mechanism: loss of function.

Submission:

Suma Genomics
Classification: Likely pathogenic for Diabetes mellitus, transient neonatal, 3. Review status: criteria provided, single submitter. Criteria: ACMG Guidelines, 2015. Collection method: clinical testing. Allele origin: de novo. Inheritance: Autosomal dominant inheritance. Affected: yes. Observed: 1 heterozygote.
Comment: This variant is not observed in parents and the gnomAD database. In-silico analysis tool REVEL is consistent in predicting this variant to be disease-causing. Monoallelic disease-causing variants in KCNJ11 are associated with Diabetes mellitus, transient neonatal 3 (MIM# 610582), Diabetes permanent neonatal 2, with or without neurologic features (MIM# 618856), Hyperinsulinemic hypoglycemia, familial, 2 (MIM# 601820) and Maturity-onset diabetes of the young, type 13 (MIM# 616329).